The following is an entry in ClinVar:

ClinVar aggregate classification (germline): Uncertain significance (1 of 4 stars; one submission).

Allele frequency attached by ClinVar (database versions not stated): gnomAD exomes below 0.00001; TOPMed 0.00002; gnomAD 0.00003; 1000 Genomes Project 30x 0.00047.
gnomAD v4.1: 11 of 1,609,442 alleles (0.00068%); highest among the groups gnomAD compares: Admixed American, 0.0085%; no homozygotes.

Submission:

Labcorp Genetics (formerly Invitae), Labcorp
Classification: Uncertain significance. Last evaluated: 2024-10-21. Review status: criteria provided, single submitter. Criteria: Invitae Variant Classification Sherloc (09022015). Collection method: clinical testing. Allele origin: germline.
Comment: This sequence change falls in intron 8 of the HYOU1 gene. It does not directly change the encoded amino acid sequence of the HYOU1 protein. This variant is present in population databases (rs181906203, gnomAD 0.009%). This variant has not been reported in the literature in individuals affected with HYOU1-related conditions. ClinVar contains an entry for this variant (Variation ID: 2168743). Algorithms developed to predict the effect of sequence changes on RNA splicing suggest that this variant may create or strengthen a splice site. In summary, the available evidence is currently insufficient to determine the role of this variant in disease. Therefore, it has been classified as a Variant of Uncertain Significance.

NM_006389.5(HYOU1):c.795-4A>G

Gene: HYOU1 (hypoxia up-regulated 1; minus strand). Cytogenetic location: 11q23.3.
Variant type: single nucleotide variant.
Coding change: c.795-4A>G on transcript NM_006389.5 (MANE Select); 4 bases into the intron before coding-DNA position 795, A replaced by G.
Molecular consequence: intron variant.
Genome position (GRCh38, 1-based): chr11:119,052,833, T>C on the plus strand (A>G on the coding strand, the complement: HYOU1 is on the minus strand). VCF-style: chr11-119052833-T-C. GRCh37 (hg19) VCF-style: chr11-118923545-T-C.
Other names: c.795-4A>G (NM_001130991.3).
Identifiers: ClinVar variation 2168743 (VCV002168743.4), dbSNP rs181906203, ClinGen allele CA229623790.